The following is an entry in ClinVar:

ClinVar aggregate classification (germline): Uncertain significance. Review status: criteria provided, multiple submitters, no conflicts (2 of 4 stars). 2 submissions from 2 submitters: Uncertain significance (2). Last evaluated 2025-04-11.

Conditions:
Nemaline myopathy 6 (NEM6). Also called: Nemaline myopathy 6, autosomal dominant. Identifiers: Orphanet 171439, MedGen C1836472, MONDO:0012237, OMIM 609273.
Inborn genetic diseases. Identifiers: MedGen C0950123, MeSH D030342.

Allele frequency attached by ClinVar (database versions not stated): ExAC 0.00001; gnomAD 0.00001; gnomAD exomes 0.00001; TOPMed 0.00002.
gnomAD v4.1: 5 of 1,611,842 alleles (0.00031%); highest among the groups gnomAD compares: East Asian, 0.0022%; no homozygotes.

Submissions (2):

Ambry Genetics
Classification: Uncertain significance for Inborn genetic diseases. Last evaluated: 2025-04-11. Review status: criteria provided, single submitter. Criteria: Ambry Variant Classification Scheme 2023. Collection method: clinical testing. Allele origin: germline.

Labcorp Genetics (formerly Invitae), Labcorp
Classification: Uncertain significance for Nemaline myopathy 6. Last evaluated: 2025-03-31. Review status: criteria provided, single submitter. Criteria: Invitae Variant Classification Sherloc (09022015). Collection method: clinical testing. Allele origin: germline.
Comment: This sequence change replaces isoleucine, which is neutral and non-polar, with valine, which is neutral and non-polar, at codon 369 of the KBTBD13 protein (p.Ile369Val). This variant is present in population databases (rs780785524, gnomAD 0.002%). This variant has not been reported in the literature in individuals affected with KBTBD13-related conditions. ClinVar contains an entry for this variant (Variation ID: 1413205). An algorithm developed to predict the effect of missense changes on protein structure and function (PolyPhen-2) suggests that this variant is likely to be tolerated. In summary, the available evidence is currently insufficient to determine the role of this variant in disease. Therefore, it has been classified as a Variant of Uncertain Significance.

NM_001101362.3(KBTBD13):c.1105A>G (p.Ile369Val)

Gene: KBTBD13 (kelch repeat and BTB domain containing 13; plus strand). Cytogenetic location: 15q22.31.
Variant type: single nucleotide variant.
Coding change: c.1105A>G on transcript NM_001101362.3 (MANE Select); coding-DNA position 1105, A replaced by G.
Protein change: p.Ile369Val; replaces isoleucine 369 with valine.
Molecular consequence: missense variant.
Genome position (GRCh38, 1-based): chr15:65,077,920, A>G. VCF-style: chr15-65077920-A-G. GRCh37 (hg19) VCF-style: chr15-65370258-A-G.
Other names: c.1105A>G (NM_001101362.2); short protein forms I369V.
Identifiers: ClinVar variation 1413205 (VCV001413205.7), dbSNP rs780785524, ClinGen allele CA7614075.